The following is an entry in ClinVar:

ClinVar aggregate classification (germline): Uncertain significance. Review status: criteria provided, multiple submitters, no conflicts (2 of 4 stars). 2 submissions from 2 submitters: Uncertain significance (2). Last evaluated 2024-02-16.

Conditions:
Immunodeficiency 14 (IMD14A). Also called: IMMUNODEFICIENCY 14A WITH LYMPHOPROLIFERATION, AUTOSOMAL DOMINANT; p110-DELTA-ACTIVATING MUTATION CAUSING SENESCENT T CELLS, LYMPHADENOPATHY, AND IMMUNODEFICIENCY; ACTIVATED PI3K-DELTA SYNDROME 1; Activated PI3K Delta Syndrome Type 1 (APDS1). Identifiers: Orphanet 397596, Orphanet 693661, MedGen C5907821, MONDO:0014222, OMIM 615513.

Allele frequency attached by ClinVar (database versions not stated): ExAC 0.00001; gnomAD exomes 0.00001.
gnomAD v4.1: 13 of 1,610,532 alleles (0.00081%); highest among the groups gnomAD compares: Non-Finnish European, 0.00076%; no homozygotes.

Submissions (2):

Labcorp Genetics (formerly Invitae), Labcorp
Classification: Uncertain significance for Activated PI3K-delta syndrome. Last evaluated: 2024-02-16. Review status: criteria provided, single submitter. Criteria: Invitae Variant Classification Sherloc (09022015). Collection method: clinical testing. Allele origin: germline.
Comment: This sequence change replaces serine, which is neutral and polar, with arginine, which is basic and polar, at codon 364 of the PIK3CD protein (p.Ser364Arg). The frequency data for this variant in the population databases is considered unreliable, as metrics indicate poor data quality at this position in the gnomAD database. This variant has not been reported in the literature in individuals affected with PIK3CD-related conditions. ClinVar contains an entry for this variant (Variation ID: 1315936). Advanced modeling of protein sequence and biophysical properties (such as structural, functional, and spatial information, amino acid conservation, physicochemical variation, residue mobility, and thermodynamic stability) performed at Invitae indicates that this missense variant is not expected to disrupt PIK3CD protein function with a negative predictive value of 80%. In summary, the available evidence is currently insufficient to determine the role of this variant in disease. Therefore, it has been classified as a Variant of Uncertain Significance.

GeneDx
Classification: Uncertain significance. Last evaluated: 2019-11-20. Review status: criteria provided, single submitter. Criteria: GeneDx Variant Classification Process June 2021. Collection method: clinical testing. Allele origin: germline. Affected: yes.
Comment: In silico analysis, which includes protein predictors and evolutionary conservation, supports that this variant does not alter protein structure/function; Has not been previously published as pathogenic or benign to our knowledge

NM_005026.5(PIK3CD):c.1092C>A (p.Ser364Arg)

Genes: PIK3CD (phosphatidylinositol-4,5-bisphosphate 3-kinase catalytic subunit delta; plus strand), LOC126805612 (MED14-independent group 3 enhancer GRCh37_chr1:9778914-9780113; plus strand). Cytogenetic location: 1p36.22.
Variant type: single nucleotide variant.
Coding change: c.1092C>A on transcript NM_005026.5 (MANE Select); coding-DNA position 1092, C replaced by A.
Protein change: p.Ser364Arg; replaces serine 364 with arginine.
Molecular consequence: missense variant.
Genome position (GRCh38, 1-based): chr1:9,718,765, C>A. VCF-style: chr1-9718765-C-A. GRCh37 (hg19) VCF-style: chr1-9778823-C-A.
Other names: c.1092C>A, p.Ser364Arg (NM_001350234.2); c.1005C>A, p.Ser335Arg (NM_001350235.1); short protein forms S335R, S364R.
Identifiers: ClinVar variation 1315936 (VCV001315936.6), dbSNP rs774630166, ClinGen allele CA577089.